The following is an entry in ClinVar:

ClinVar aggregate classification (germline): Uncertain significance (1 of 4 stars; one submission).

Allele frequency attached by ClinVar (database versions not stated): ESP Exome Variant Server 0.00008.

Submission:

Ambry Genetics
Classification: Uncertain significance. Last evaluated: 2021-01-14. Review status: criteria provided, single submitter. Criteria: Ambry Variant Classification Scheme 2023. Collection method: clinical testing. Allele origin: germline.
Comment: The p.H769Q variant (also known as c.2307T>G), located in coding exon 22 of the KIF1B gene, results from a T to G substitution at nucleotide position 2307. The histidine at codon 769 is replaced by glutamine, an amino acid with highly similar properties. This amino acid position is not well conserved in available vertebrate species. In addition, this alteration is predicted to be tolerated by in silico analysis. Since supporting evidence is limited at this time, the clinical significance of this alteration remains unclear.

NM_001365951.3(KIF1B):c.2445T>G (p.His815Gln)

Gene: KIF1B (kinesin family member 1B; plus strand). Cytogenetic location: 1p36.22.
Variant type: single nucleotide variant.
Coding change: c.2445T>G on transcript NM_001365951.3 (MANE Select); coding-DNA position 2445, T replaced by G.
Protein change: p.His815Gln; replaces histidine 815 with glutamine.
Molecular consequence: missense variant.
Genome position (GRCh38, 1-based): chr1:10,323,970, T>G. VCF-style: chr1-10323970-T-G. GRCh37 (hg19) VCF-style: chr1-10384028-T-G.
Other names: c.2445T>G, p.His815Gln (NM_001365952.1); c.2307T>G, p.His769Gln (NM_015074.3); short protein forms H815Q, H769Q.
Identifiers: ClinVar variation 1789375 (VCV001789375.2), dbSNP rs144564345, ClinGen allele CA17835916.
Genomic context (GRCh38, chr1:10,323,970, plus strand): 5'-TGACACACTGTACTCCCCTTTGCCTCCTGAATTACTTCCCACTGAGATGGAAAAAACTCA[T>G]GAGGACAGGCCTTTCCCTCGCACAGTGGTAGCAGTAGAAGTCCAGGATTTGAAGAATGGA-3'
Protein context (NP_001352880.1, residues 805-825): ELLPTEMEKT[His815Gln]EDRPFPRTVV